The following is an entry in ClinVar:

ClinVar aggregate classification (germline): Uncertain significance (1 of 4 stars; one submission).

Conditions:
Coenzyme Q10 deficiency, primary, 3 (COQ10D3). Identifiers: Orphanet 255249, MedGen C3553358, MONDO:0013838, OMIM 614652.

Allele frequency attached by ClinVar (database versions not stated): gnomAD exomes below 0.00001; TOPMed below 0.00001; ExAC 0.00001.
gnomAD v4.1: 2 of 1,614,074 alleles (0.00012%); highest among the groups gnomAD compares: African/African-American, 0.0027%; no homozygotes.

Submission:

Baylor Genetics
Classification: Uncertain significance for Coenzyme Q10 deficiency, primary, 3. Last evaluated: 2018-06-11. Review status: criteria provided, single submitter. Criteria: ACMG Guidelines, 2015. Collection method: clinical testing. Allele origin: paternal. Affected: yes.
Comment: This variant was determined to be of uncertain significance according to ACMG Guidelines, 2015 [PMID:25741868].

NM_020381.4(PDSS2):c.837G>A (p.Met279Ile)

Gene: PDSS2 (decaprenyl diphosphate synthase subunit 2; minus strand). Cytogenetic location: 6q21.
Variant type: single nucleotide variant.
Coding change: c.837G>A on transcript NM_020381.4 (MANE Select); coding-DNA position 837, G replaced by A.
Protein change: p.Met279Ile; replaces methionine 279 with isoleucine.
Molecular consequence: missense variant.
Genome position (GRCh38, 1-based): chr6:107,212,148, C>T on the plus strand (G>A on the coding strand, the complement: PDSS2 is on the minus strand). VCF-style: chr6-107212148-C-T. GRCh37 (hg19) VCF-style: chr6-107533352-C-T.
Other names: short protein forms M279I.
Identifiers: ClinVar variation 1032839 (VCV001032839.1), dbSNP rs753476156, ClinGen allele CA3946006.